The following is an entry in ClinVar:

NM_000038.6(APC):c.210G>A (p.Glu70=)

Gene: APC (APC regulator of Wnt signaling pathway; plus strand). Cytogenetic location: 5q22.2.
Variant type: single nucleotide variant.
Coding change: c.210G>A on transcript NM_000038.6 (MANE Select); coding-DNA position 210, G replaced by A.
Protein change: p.Glu70=; no amino-acid change (glutamic acid 70 retained).
Molecular consequence: synonymous variant. On other transcripts: 5 prime UTR variant (1).
Genome position (GRCh38, 1-based): chr5:112,766,400, G>A. VCF-style: chr5-112766400-G-A. GRCh37 (hg19) VCF-style: chr5-112102097-G-A.
Other names: c.210G>A, p.Glu70= (NM_001127510.3, NM_001354895.2, NM_001354896.2 and 2 more transcripts); c.240G>A, p.Glu80= (NM_001127511.3, NM_001354897.2, NM_001354902.2); c.135G>A, p.Glu45= (NM_001354898.2, NM_001354904.2); c.33G>A, p.Glu11= (NM_001354900.2, NM_001354901.2, NM_001354905.2); c.-826G>A (NM_001354906.2).
Identifiers: ClinVar variation 710302 (VCV000710302.18), dbSNP rs761957941, ClinGen allele CA030775.

ClinVar aggregate classification (germline): Benign/Likely benign. Review status: criteria provided, multiple submitters, no conflicts (2 of 4 stars). 4 submissions from 4 submitters: Benign (1); Likely benign (3). Last evaluated 2025-12-18.

Conditions:
Hereditary cancer-predisposing syndrome. Also called: Neoplastic Syndromes, Hereditary; Hereditary Cancer Syndrome; Tumor predisposition; Hereditary neoplastic syndrome. Identifiers: Orphanet 140162, MedGen C0027672, MeSH D009386, MONDO:0015356.
Familial adenomatous polyposis 1 (FAP1). Also called: FAMILIAL ADENOMATOUS POLYPOSIS 1, ATTENUATED; POLYPOSIS, ADENOMATOUS INTESTINAL. Identifiers: MedGen C2713442, MONDO:0021056, OMIM 175100. Disease mechanism: loss of function.

Allele frequency attached by ClinVar (database versions not stated): gnomAD exomes below 0.00001 and 0.00001; ExAC 0.00002.
gnomAD v4.1: 5 of 1,608,666 alleles (0.00031%); highest among the groups gnomAD compares: Non-Finnish European, 0.00043%; no homozygotes.

Submissions (4):

Labcorp Genetics (formerly Invitae), Labcorp
Classification: Likely benign for Familial adenomatous polyposis 1. Last evaluated: 2025-12-18. Review status: criteria provided, single submitter. Criteria: Invitae Variant Classification Sherloc (09022015). Collection method: clinical testing. Allele origin: germline.

Myriad Genetics, Inc.
Classification: Benign for Familial adenomatous polyposis 1. Last evaluated: 2024-02-22. Review status: criteria provided, single submitter. Criteria: Myriad Autosomal Dominant, Autosomal Recessive and X-Linked Classification Criteria (2023). Collection method: clinical testing. Allele origin: unknown.
Comment: This variant is considered benign. This variant is a silent/synonymous amino acid change and it is not expected to impact splicing.

Color Diagnostics, LLC DBA Color Health
Classification: Likely benign for Hereditary cancer-predisposing syndrome. Last evaluated: 2023-02-15. Review status: criteria provided, single submitter. Criteria: ACMG Guidelines, 2015. Collection method: clinical testing. Allele origin: germline.

Ambry Genetics
Classification: Likely benign for Hereditary cancer-predisposing syndrome. Last evaluated: 2018-05-07. Review status: criteria provided, single submitter. Criteria: Ambry Variant Classification Scheme 2023. Collection method: clinical testing. Allele origin: germline.